The following is an entry in ClinVar:

NM_014000.3(VCL):c.808T>C (p.Leu270=)

Gene: VCL (vinculin; plus strand). Cytogenetic location: 10q22.2.
Variant type: single nucleotide variant.
Coding change: c.808T>C on transcript NM_014000.3 (MANE Select); coding-DNA position 808, T replaced by C.
Protein change: p.Leu270=; no amino-acid change (leucine 270 retained).
Molecular consequence: synonymous variant.
Genome position (GRCh38, 1-based): chr10:74,082,478, T>C. VCF-style: chr10-74082478-T-C. GRCh37 (hg19) VCF-style: chr10-75842236-T-C.
Other names: c.808T>C, p.Leu270= (NM_003373.4).
Identifiers: ClinVar variation 180088 (VCV000180088.19), dbSNP rs727505339, ClinGen allele CA185783.
Genomic context (GRCh38, chr10:74,082,478, plus strand): 5'-TGCAAAGAAAATAATGGTGGGATTTCTTCCCAAAAGGACACTGAAGCCATGAAGAGAGCA[T>C]TGGCCTCCATAGACTCCAAACTGAACCAGGCCAAAGGTTGGCTCCGTGACCCTAGTGCCT-3'
Protein context (NP_054706.1, residues 260-280): SKDTEAMKRA[Leu270=]ASIDSKLNQA

ClinVar aggregate classification (germline): Conflicting classifications of pathogenicity. Review status: criteria provided, conflicting classifications (1 of 4 stars). 5 submissions from 5 submitters: Uncertain significance (1); Likely benign (4). Last evaluated 2026-01-28.

Conditions:
Cardiovascular phenotype. Identifiers: MedGen CN230736.
Dilated cardiomyopathy 1W (CMD1W). Identifiers: Orphanet 154, MedGen C1969639, MONDO:0012667, OMIM 611407.

Allele frequency attached by ClinVar (database versions not stated): TOPMed below 0.00001; ExAC 0.00002; gnomAD exomes 0.00002.
gnomAD v4.1: 23 of 1,614,186 alleles (0.0014%); highest among the groups gnomAD compares: South Asian, 0.0066%; no homozygotes.

Submissions (5):

Labcorp Genetics (formerly Invitae), Labcorp
Classification: Likely benign for Dilated cardiomyopathy 1W. Last evaluated: 2026-01-28. Review status: criteria provided, single submitter. Criteria: Invitae Variant Classification Sherloc (09022015). Collection method: clinical testing. Allele origin: germline.

Blueprint Genetics
Classification: Likely benign. Last evaluated: 2024-05-15. Review status: criteria provided, single submitter. Criteria: ACMG Guidelines, 2015. Collection method: clinical testing. Allele origin: germline.

Ambry Genetics
Classification: Likely benign for Cardiovascular phenotype. Last evaluated: 2023-11-17. Review status: criteria provided, single submitter. Criteria: Ambry Variant Classification Scheme 2023. Collection method: clinical testing. Allele origin: germline.

Illumina Laboratory Services, Illumina
Classification: Uncertain significance for Dilated cardiomyopathy 1W. Last evaluated: 2018-01-12. Review status: criteria provided, single submitter. Criteria: ICSL Variant Classification Criteria 13 December 2019. Collection method: clinical testing. Allele origin: germline.

Laboratory for Molecular Medicine, Mass General Brigham Personalized Medicine
Classification: Likely benign. Last evaluated: 2015-06-25. Review status: criteria provided, single submitter. Criteria: LMM Criteria. Collection method: clinical testing. Allele origin: germline. Observed: 1 variant allele.
Comment: p.Leu270Leu in exon 7 of VCL: This variant is not expected to have clinical sign ificance because it does not alter an amino acid residue and is not located with in the splice consensus sequence. It has been identified in 2/8644 East Asian c hromosomes by the Exome Aggregation Consortium (ExAC .org; dbSNP rs727505339).